The following is an entry in ClinVar:

NM_020381.4(PDSS2):c.602A>G (p.Asn201Ser)

Gene: PDSS2 (decaprenyl diphosphate synthase subunit 2; minus strand). Cytogenetic location: 6q21.
Variant type: single nucleotide variant.
Coding change: c.602A>G on transcript NM_020381.4 (MANE Select); coding-DNA position 602, A replaced by G.
Protein change: p.Asn201Ser; replaces asparagine 201 with serine.
Molecular consequence: missense variant.
Genome position (GRCh38, 1-based): chr6:107,274,057, T>C on the plus strand (A>G on the coding strand, the complement: PDSS2 is on the minus strand). VCF-style: chr6-107274057-T-C. GRCh37 (hg19) VCF-style: chr6-107595261-T-C.
Other names: c.602A>G (NM_020381.3); short protein forms N201S.
Identifiers: ClinVar variation 1498723 (VCV001498723.8), dbSNP rs1476658817, ClinGen allele CA365324165.
Genomic context (GRCh38, chr6:107,274,057, plus strand): 5'-TTCAGGTACAACAAAACCCTGCCCAATTTTACCTTGGTGTTCTGTAGCAGAGCTAGTCCA[T>C]TGCAGGCATTTGCTAGAAGAAAGTCTCCACTCAGGATAGCAATTTTATTTCCAAATTGCA-3'
Protein context (NP_065114.3, residues 191-211): SGDFLLANAC[Asn201Ser]GLALLQNTKV

ClinVar aggregate classification (germline): Uncertain significance. Review status: criteria provided, multiple submitters, no conflicts (2 of 4 stars). 3 submissions from 3 submitters: Uncertain significance (3). Last evaluated 2025-10-18.

Conditions:
Inborn genetic diseases. Identifiers: MedGen C0950123, MeSH D030342.
Coenzyme Q10 deficiency, primary, 3 (COQ10D3). Identifiers: Orphanet 255249, MedGen C3553358, MONDO:0013838, OMIM 614652.

Allele frequency attached by ClinVar (database versions not stated): gnomAD exomes below 0.00001; TOPMed 0.00001; gnomAD 0.00002 and 0.00003.
gnomAD v4.1: 10 of 1,614,010 alleles (0.00062%); highest among the groups gnomAD compares: Admixed American, 0.0067%; no homozygotes.

Submissions (3):

Ambry Genetics
Classification: Uncertain significance for Inborn genetic diseases. Last evaluated: 2025-10-18. Review status: criteria provided, single submitter. Criteria: Ambry Variant Classification Scheme 2023. Collection method: clinical testing. Allele origin: germline.

Fulgent Genetics
Classification: Uncertain significance for Coenzyme Q10 deficiency, primary, 3. Last evaluated: 2023-12-24. Review status: criteria provided, single submitter. Criteria: ACMG Guidelines, 2015. Collection method: clinical testing. Allele origin: germline.

Labcorp Genetics (formerly Invitae), Labcorp
Classification: Uncertain significance. Last evaluated: 2020-10-26. Review status: criteria provided, single submitter. Criteria: Invitae Variant Classification Sherloc (09022015). Collection method: clinical testing. Allele origin: germline.
Comment: In summary, the available evidence is currently insufficient to determine the role of this variant in disease. Therefore, it has been classified as a Variant of Uncertain Significance. Algorithms developed to predict the effect of sequence changes on RNA splicing suggest that this variant may create or strengthen a splice site, but this prediction has not been confirmed by published transcriptional studies. Algorithms developed to predict the effect of missense changes on protein structure and function (SIFT, PolyPhen-2, Align-GVGD) all suggest that this variant is likely to be tolerated, but these predictions have not been confirmed by published functional studies and their clinical significance is uncertain. This variant has not been reported in the literature in individuals with PDSS2-related conditions. This variant is not present in population databases (ExAC no frequency). This sequence change replaces asparagine with serine at codon 201 of the PDSS2 protein (p.Asn201Ser). The asparagine residue is weakly conserved and there is a small physicochemical difference between asparagine and serine.